The following is an entry in ClinVar:

NM_000179.3(MSH6):c.3798_3801dup (p.Ala1268fs)

Gene: MSH6 (mutS homolog 6; plus strand). Cytogenetic location: 2p16.3.
Variant type: Duplication.
Coding change: c.3798_3801dup on transcript NM_000179.3 (MANE Select); coding-DNA positions 3798 to 3801, 4 bases duplicated (TATG; older notation c.3798_3801dupTATG).
Protein change: p.Ala1268fs; shifts the reading frame from alanine 1268.
Molecular consequence: frameshift variant. On other transcripts: non-coding transcript variant (5).
Genome position (GRCh38, 1-based): chr2:47,806,355-47,806,358, TATG duplicated. VCF-style (leftmost placement, unchanged base first): chr2-47806354-A-ATATG. GRCh37 (hg19) VCF-style: chr2-48033493-A-ATATG.
Other names: c.3408_3411dup, p.Ala1138fs (NM_001281492.2); c.2892_2895dup, p.Ala966fs (NM_001281493.2, NM_001281494.2, NM_001406811.1 and 6 more transcripts); c.3894_3897dup, p.Ala1300fs (NM_001406795.1); c.3798_3801dup, p.Ala1268fs (NM_001406796.1, NM_001406808.1, NM_001406809.1); c.3501_3504dup, p.Ala1169fs (NM_001406797.1, NM_001406801.1, NM_001406805.1 and 10 more transcripts); c.3624_3627dup, p.Ala1210fs (NM_001406798.1); c.3273_3276dup, p.Ala1093fs (NM_001406799.1, NM_001406806.1, NM_001406807.1); c.3798_3801dup, p.Lys1268fs (NM_001406800.1); and 9 more; short protein forms A1093fs, A1138fs, A1169fs, A1210fs, A1212fs, A1242fs, A1268fs, A1270fs.
Identifiers: ClinVar variation 2673737 (VCV002673737.4), dbSNP rs2530849990, ClinGen allele CA2695200619.

ClinVar aggregate classification (germline): Pathogenic. Review status: criteria provided, multiple submitters, no conflicts (2 of 4 stars). 2 submissions from 2 submitters: Pathogenic (2). Last evaluated 2023-08-25.

Conditions:
Lynch syndrome 5 (LYNCH5). Also called: Hereditary non-polyposis colorectal cancer, type 5; Colorectal cancer, hereditary nonpolyposis, type 5. Identifiers: Orphanet 144, MedGen C1833477, MONDO:0013710, OMIM 614350. Disease mechanism: loss of function.
Hereditary nonpolyposis colorectal neoplasms. Identifiers: MedGen C0009405, MeSH D003123.

Submissions (2):

Myriad Genetics, Inc.
Classification: Pathogenic for Lynch syndrome 5. Last evaluated: 2023-08-25. Review status: criteria provided, single submitter. Criteria: Myriad Autosomal Dominant, Autosomal Recessive and X-Linked Classification Criteria (2023). Collection method: clinical testing. Allele origin: unknown.
Comment: This variant is considered pathogenic. This variant creates a frameshift predicted to result in premature protein truncation.

Labcorp Genetics (formerly Invitae), Labcorp
Classification: Pathogenic for Hereditary nonpolyposis colorectal neoplasms. Last evaluated: 2023-08-11. Review status: criteria provided, single submitter. Criteria: Invitae Variant Classification Sherloc (09022015). Collection method: clinical testing. Allele origin: germline.
Comment: This sequence change creates a premature translational stop signal (p.Ala1268Tyrfs*8) in the MSH6 gene. It is expected to result in an absent or disrupted protein product. Loss-of-function variants in MSH6 are known to be pathogenic (PMID: 18269114, 24362816). This variant is not present in population databases (gnomAD no frequency). This variant has not been reported in the literature in individuals affected with MSH6-related conditions. For these reasons, this variant has been classified as Pathogenic.

Literature cited by the submitters: PubMed 18269114 (cited by Labcorp Genetics (formerly Invitae), Labcorp); PubMed 24362816 (cited by Labcorp Genetics (formerly Invitae), Labcorp).